The following is an entry in ClinVar:

NM_001378328.1(CELSR1):c.692G>T (p.Arg231Leu)

Gene: CELSR1 (cadherin EGF LAG seven-pass G-type receptor 1; minus strand). Cytogenetic location: 22q13.31.
Variant type: single nucleotide variant.
Coding change: c.692G>T on transcript NM_001378328.1 (MANE Select); coding-DNA position 692, G replaced by T.
Protein change: p.Arg231Leu; replaces arginine 231 with leucine.
Molecular consequence: missense variant.
Genome position (GRCh38, 1-based): chr22:46,536,479, C>A on the plus strand (G>T on the coding strand, the complement: CELSR1 is on the minus strand). VCF-style: chr22-46536479-C-A. GRCh37 (hg19) VCF-style: chr22-46932376-C-A.
Other names: c.692G>T, p.Arg231Leu (NM_014246.4); short protein forms R231L.
Identifiers: ClinVar variation 3237445 (VCV003237445.1), dbSNP rs769540671.

ClinVar aggregate classification (germline): Uncertain significance (1 of 4 stars; one submission).

Conditions:
Lymphatic malformation 9. Identifiers: MedGen C5543365, MONDO:0030270, OMIM 619319.

gnomAD v4.1: 18 of 1,600,138 alleles (0.0011%); highest among the groups gnomAD compares: Admixed American, 0.0017%; no homozygotes.

Submission:

Clinical Genomics Laboratory, Washington University in St. Louis
Classification: Uncertain significance for Lymphatic malformation 9. Last evaluated: 2024-04-05. Review status: criteria provided, single submitter. Criteria: ACMG Guidelines, 2015. Collection method: clinical testing. Allele origin: germline.
Comment: A CELSR1 c.692G>T (p.Arg231Leu) variant was identified at a heterozygous allelic fraction of 50%, a frequency which may be consistent with germline origin. This variant, to our knowledge, has not been reported in the medical literature. This variant is observed on 18/1,600,138 alleles in the general population (gnomAD v4.0.0). Computational predictors suggest that this variant does not impact CELSR1 function. Due to limited information, and based on ACMG/AMP guidelines for variant interpretation (Richards S et al., PMID: 25741868), the clinical significance of the CELSR1 c.692G>T (p.Arg231Leu) variant is uncertain at this time.